The following is an entry in ClinVar:

ClinVar aggregate classification (germline): Uncertain significance. Review status: criteria provided, multiple submitters, no conflicts (2 of 4 stars). 3 submissions from 3 submitters: Uncertain significance (3). Last evaluated 2026-01-22.

Conditions:
Inborn genetic diseases. Identifiers: MedGen C0950123, MeSH D030342.
Charcot-Marie-Tooth disease dominant intermediate C (CMTDIC). Also called: CHARCOT-MARIE-TOOTH NEUROPATHY, DOMINANT INTERMEDIATE C. Identifiers: Orphanet 100045, MedGen C1842237, MONDO:0012012, OMIM 608323.

Allele frequency attached by ClinVar (database versions not stated): gnomAD exomes below 0.00001 and 0.00001; ExAC 0.00001; gnomAD 0.00003; TOPMed 0.00005; ESP Exome Variant Server 0.00008.
gnomAD v4.1: 15 of 1,614,028 alleles (0.00093%); highest among the groups gnomAD compares: African/African-American, 0.0093%; no homozygotes.

Submissions (3):

Labcorp Genetics (formerly Invitae), Labcorp
Classification: Uncertain significance for Charcot-Marie-Tooth disease dominant intermediate C. Last evaluated: 2026-01-22. Review status: criteria provided, single submitter. Criteria: Invitae Variant Classification Sherloc (09022015). Collection method: clinical testing. Allele origin: germline.
Comment: This sequence change replaces isoleucine, which is neutral and non-polar, with valine, which is neutral and non-polar, at codon 71 of the YARS protein (p.Ile71Val). This variant is present in population databases (rs145768628, gnomAD 0.02%). This variant has not been reported in the literature in individuals affected with YARS-related conditions. ClinVar contains an entry for this variant (Variation ID: 464875). Invitae Evidence Modeling of protein sequence and biophysical properties (such as structural, functional, and spatial information, amino acid conservation, physicochemical variation, residue mobility, and thermodynamic stability) indicates that this missense variant is not expected to disrupt YARS protein function with a negative predictive value of 80%. In summary, the available evidence is currently insufficient to determine the role of this variant in disease. Therefore, it has been classified as a Variant of Uncertain Significance.

GeneDx
Classification: Uncertain significance. Last evaluated: 2023-05-02. Review status: criteria provided, single submitter. Criteria: GeneDx Variant Classification Process June 2021. Collection method: clinical testing. Allele origin: germline. Affected: yes.
Comment: In silico analysis supports that this missense variant does not alter protein structure/function; Has not been previously published as pathogenic or benign to our knowledge; This variant is associated with the following publications: (PMID: 16429158, 27915290)

Ambry Genetics
Classification: Uncertain significance for Inborn genetic diseases. Last evaluated: 2021-05-28. Review status: criteria provided, single submitter. Criteria: Ambry Variant Classification Scheme 2023. Collection method: clinical testing. Allele origin: germline.
Comment: The p.I71V variant (also known as c.211A>G), located in coding exon 3 of the YARS gene, results from an A to G substitution at nucleotide position 211. The isoleucine at codon 71 is replaced by valine, an amino acid with highly similar properties. This amino acid position is well conserved in available vertebrate species; however, valine is the reference amino acid in other vertebrate species. In addition, this alteration is predicted to be tolerated by in silico analysis. Since supporting evidence is limited at this time, the clinical significance of this alteration remains unclear.

NM_003680.4(YARS1):c.211A>G (p.Ile71Val)

Gene: YARS1 (tyrosyl-tRNA synthetase 1; minus strand). Cytogenetic location: 1p35.1.
Variant type: single nucleotide variant.
Coding change: c.211A>G on transcript NM_003680.4 (MANE Select); coding-DNA position 211, A replaced by G.
Protein change: p.Ile71Val; replaces isoleucine 71 with valine.
Molecular consequence: missense variant.
Genome position (GRCh38, 1-based): chr1:32,810,760, T>C on the plus strand (A>G on the coding strand, the complement: YARS1 is on the minus strand). VCF-style: chr1-32810760-T-C. GRCh37 (hg19) VCF-style: chr1-33276361-T-C.
Other names: short protein forms I71V.
Identifiers: ClinVar variation 464875 (VCV000464875.13), dbSNP rs145768628, ClinGen allele CA745244.